The following is an entry in ClinVar:

ClinVar aggregate classification (germline): Uncertain significance (1 of 4 stars; one submission).

Conditions:
Kabuki syndrome. Also called: Kabuki make-up syndrome; NIIKAWA-KUROKI SYNDROME. Identifiers: Orphanet 2322, MedGen C0796004, MONDO:0016512.

Submission:

Labcorp Genetics (formerly Invitae), Labcorp
Classification: Uncertain significance for Kabuki syndrome. Last evaluated: 2023-10-05. Review status: criteria provided, single submitter. Criteria: Invitae Variant Classification Sherloc (09022015). Collection method: clinical testing. Allele origin: germline.
Comment: This sequence change replaces phenylalanine, which is neutral and non-polar, with leucine, which is neutral and non-polar, at codon 2997 of the KMT2D protein (p.Phe2997Leu). This variant is not present in population databases (gnomAD no frequency). This variant has not been reported in the literature in individuals affected with KMT2D-related conditions. Advanced modeling of protein sequence and biophysical properties (such as structural, functional, and spatial information, amino acid conservation, physicochemical variation, residue mobility, and thermodynamic stability) performed at Invitae indicates that this missense variant is not expected to disrupt KMT2D protein function. In summary, the available evidence is currently insufficient to determine the role of this variant in disease. Therefore, it has been classified as a Variant of Uncertain Significance.

NM_003482.4(KMT2D):c.8991T>A (p.Phe2997Leu)

Gene: KMT2D (lysine methyltransferase 2D; minus strand). Cytogenetic location: 12q13.12.
Variant type: single nucleotide variant.
Coding change: c.8991T>A on transcript NM_003482.4 (MANE Select); coding-DNA position 8991, T replaced by A.
Protein change: p.Phe2997Leu; replaces phenylalanine 2997 with leucine.
Molecular consequence: missense variant.
Genome position (GRCh38, 1-based): chr12:49,038,365, A>T on the plus strand (T>A on the coding strand, the complement: KMT2D is on the minus strand). VCF-style: chr12-49038365-A-T. GRCh37 (hg19) VCF-style: chr12-49432148-A-T.
Other names: short protein forms F2997L.
Identifiers: ClinVar variation 2718179 (VCV002718179.3), dbSNP rs2120495472, ClinGen allele CA384740056.